The following is an entry in ClinVar:

ClinVar aggregate classification (germline): Likely benign. Review status: criteria provided, single submitter (1 of 4 stars). 2 submissions from 2 submitters: Likely benign (1). 1 of the submissions does not count toward it. Last evaluated 2024-09-24.

Conditions:
PCNT-related disorder. Also called: PCNT-related condition.

Allele frequency attached by ClinVar (database versions not stated): TOPMed below 0.00001; gnomAD 0.00001; gnomAD exomes 0.00001.
gnomAD v4.1: 10 of 1,613,888 alleles (0.00062%); highest among the groups gnomAD compares: East Asian, 0.011%; no homozygotes.

Submissions (2):

Labcorp Genetics (formerly Invitae), Labcorp
Classification: Likely benign. Last evaluated: 2024-09-24. Review status: criteria provided, single submitter. Criteria: Invitae Variant Classification Sherloc (09022015). Collection method: clinical testing. Allele origin: germline.

PreventionGenetics, part of Exact Sciences
Classification: Likely benign for PCNT-related condition. Last evaluated: 2022-10-18. Review status: no assertion criteria provided. Collection method: clinical testing. Allele origin: germline. Not counted in ClinVar's aggregate classification.
Comment: This variant is classified as likely benign based on ACMG/AMP sequence variant interpretation guidelines (Richards et al. 2015 PMID: 25741868, with internal and published modifications).

NM_006031.6(PCNT):c.5106G>A (p.Thr1702=)

Gene: PCNT (pericentrin; plus strand). Cytogenetic location: 21q22.3.
Variant type: single nucleotide variant.
Coding change: c.5106G>A on transcript NM_006031.6 (MANE Select); coding-DNA position 5106, G replaced by A.
Protein change: p.Thr1702=; no amino-acid change (threonine 1702 retained).
Molecular consequence: synonymous variant.
Genome position (GRCh38, 1-based): chr21:46,402,474, G>A. VCF-style: chr21-46402474-G-A. GRCh37 (hg19) VCF-style: chr21-47822388-G-A.
Other names: c.5106G>A (NM_006031.5); c.4752G>A, p.Thr1584= (NM_001315529.2).
Identifiers: ClinVar variation 2956851 (VCV002956851.4), dbSNP rs1221030801, ClinGen allele CA512746336.
Genomic context (GRCh38, chr21:46,402,474, plus strand): 5'-ATTGGACATGCAGAACAGCCAGACTGCTGTCAGCCTCAGAGAACTTGAGGAAGAGAACAC[G>A]AGCTTGAAGGTAAGCTACCAAAGGTCCACGTGACGCCCGAGTTCATGTTGCTTATGCCGG-3'
Protein context (NP_006022.3, residues 1692-1712): VSLRELEEEN[Thr1702=]SLKVIYTRSS